The following is an entry in ClinVar:

NM_001197104.2(KMT2A):c.1507C>T (p.Arg503Trp)

Gene: KMT2A (lysine methyltransferase 2A; plus strand). Cytogenetic location: 11q23.3.
Variant type: single nucleotide variant.
Coding change: c.1507C>T on transcript NM_001197104.2 (MANE Select); coding-DNA position 1507, C replaced by T.
Protein change: p.Arg503Trp; replaces arginine 503 with tryptophan.
Molecular consequence: missense variant.
Genome position (GRCh38, 1-based): chr11:118,472,666, C>T. VCF-style: chr11-118472666-C-T. GRCh37 (hg19) VCF-style: chr11-118343381-C-T.
Other names: c.1606C>T, p.Arg536Trp (NM_001412597.1); c.1507C>T, p.Arg503Trp (NM_005933.4); short protein forms R503W, R536W.
Identifiers: ClinVar variation 2985904 (VCV002985904.2), dbSNP rs1949963276, ClinGen allele CA382810260.

ClinVar aggregate classification (germline): Uncertain significance (1 of 4 stars; one submission).

Allele frequency attached by ClinVar (database versions not stated): gnomAD 0.00001.
gnomAD v4.1: 1 of 1,612,750 alleles (0.000062%); highest among the groups gnomAD compares: Admixed American, 0.0017%; no homozygotes.

Submission:

Labcorp Genetics (formerly Invitae), Labcorp
Classification: Uncertain significance. Last evaluated: 2025-11-03. Review status: criteria provided, single submitter. Criteria: Invitae Variant Classification Sherloc (09022015). Collection method: clinical testing. Allele origin: germline.
Comment: This sequence change replaces arginine, which is basic and polar, with tryptophan, which is neutral and slightly polar, at codon 503 of the KMT2A protein (p.Arg503Trp). This variant is not present in population databases (gnomAD no frequency). This variant has not been reported in the literature in individuals affected with KMT2A-related conditions. ClinVar contains an entry for this variant (Variation ID: 2985904). Invitae Evidence Modeling of protein sequence and biophysical properties (such as structural, functional, and spatial information, amino acid conservation, physicochemical variation, residue mobility, and thermodynamic stability) indicates that this missense variant is not expected to disrupt KMT2A protein function with a negative predictive value of 95%. In summary, the available evidence is currently insufficient to determine the role of this variant in disease. Therefore, it has been classified as a Variant of Uncertain Significance.